The following is an entry in ClinVar:

NM_001035.3(RYR2):c.7165A>C (p.Met2389Leu)

Gene: RYR2 (ryanodine receptor 2; plus strand). Cytogenetic location: 1q43.
Variant type: single nucleotide variant.
Coding change: c.7165A>C on transcript NM_001035.3 (MANE Select); coding-DNA position 7165, A replaced by C.
Protein change: p.Met2389Leu; replaces methionine 2389 with leucine.
Molecular consequence: missense variant.
Genome position (GRCh38, 1-based): chr1:237,640,946, A>C. VCF-style: chr1-237640946-A-C. GRCh37 (hg19) VCF-style: chr1-237804246-A-C.
Other names: c.7165A>C (NM_001035.2); short protein forms M2389L.
Identifiers: ClinVar variation 1172411 (VCV001172411.5), dbSNP rs746026638, ClinGen allele CA087313.
Genomic context (GRCh38, chr1:237,640,946, plus strand): 5'-ATTCATGAAAGTGACACAGAGGAGGAGGAAGATGACACTATCCACATGGGGAACGCGATC[A>C]TGACCTTCTATTCAGCTTTGATTGACCTCTTGGGACGCTGTGCTCCTGAGATGCATGTGA-3'
Protein context (NP_001026.2, residues 2379-2399): DDTIHMGNAI[Met2389Leu]TFYSALIDLL

ClinVar aggregate classification (germline): Uncertain significance. Review status: criteria provided, multiple submitters, no conflicts (2 of 4 stars). 2 submissions from 2 submitters: Uncertain significance (2). Last evaluated 2025-09-18.

Conditions:
Cardiomyopathy (CMYO). Also called: Cardiomyopathies. Identifiers: Orphanet 167848, MedGen C0878544, MONDO:0004994, HP:0001638. Inheritance: Various modes of inheritance.
Cardiovascular phenotype. Identifiers: MedGen CN230736.

Allele frequency attached by ClinVar (database versions not stated): gnomAD exomes below 0.00001; ExAC 0.00001; TOPMed 0.00002.
gnomAD v4.1: 1 of 1,613,784 alleles (0.000062%); highest among the groups gnomAD compares: African/African-American, 0.0013%; no homozygotes.

Submissions (2):

Ambry Genetics
Classification: Uncertain significance for Cardiovascular phenotype. Last evaluated: 2025-09-18. Review status: criteria provided, single submitter. Criteria: Ambry Variant Classification Scheme 2023. Collection method: clinical testing. Allele origin: germline.
Comment: The p.M2389L variant (also known as c.7165A>C), located in coding exon 47 of the RYR2 gene, results from an A to C substitution at nucleotide position 7165. The methionine at codon 2389 is replaced by leucine, an amino acid with highly similar properties. This variant was reported in one control subject from a CPVT (catecholaminergic polymorphic ventricular tachycardia (CPVT) study; however, clinical details were limited (Medeiros-Domingo A et al. J Am Coll Cardiol, 2009 Nov;54:2065-74). This amino acid position is highly conserved in available vertebrate species. In addition, this alteration is predicted to be deleterious by in silico analysis. Since supporting evidence is limited at this time, the clinical significance of this alteration remains unclear.

Color Diagnostics, LLC DBA Color Health
Classification: Uncertain significance for Cardiomyopathy. Last evaluated: 2020-11-11. Review status: criteria provided, single submitter. Criteria: ACMG Guidelines, 2015. Collection method: clinical testing. Allele origin: germline.
Comment: This missense variant replaces methionine with leucine at codon 2389 of the RYR2 protein. Computational prediction is inconclusive regarding the impact of this variant on protein structure and function (internally defined REVEL score threshold 0.5 < inconclusive < 0.7, PMID: 27666373). To our knowledge, functional studies have not been reported for this variant. This variant has not been reported in individuals affected with cardiovascular disorders in the literature. This variant has been identified in 1/248766 chromosomes in the general population by the Genome Aggregation Database (gnomAD). The available evidence is insufficient to determine the role of this variant in disease conclusively. Therefore, this variant is classified as a Variant of Uncertain Significance.

Literature cited by the submitters: PubMed 19926015 (cited by Ambry Genetics); PubMed 24136861 (cited by Ambry Genetics).